The following is an entry in ClinVar:

NM_206933.4(USH2A):c.706C>A (p.Pro236Thr)

Gene: USH2A (usherin; minus strand). Cytogenetic location: 1q41.
Variant type: single nucleotide variant.
Coding change: c.706C>A on transcript NM_206933.4 (MANE Select); coding-DNA position 706, C replaced by A.
Protein change: p.Pro236Thr; replaces proline 236 with threonine.
Molecular consequence: missense variant.
Genome position (GRCh38, 1-based): chr1:216,365,031, G>T on the plus strand (C>A on the coding strand, the complement: USH2A is on the minus strand). VCF-style: chr1-216365031-G-T. GRCh37 (hg19) VCF-style: chr1-216538373-G-T.
Other names: c.706C>A, p.Pro236Thr (NM_007123.6); short protein forms P236T.
Identifiers: ClinVar variation 229626 (VCV000229626.10), dbSNP rs762558966, ClinGen allele CA1396715.

ClinVar aggregate classification (germline): Uncertain significance. Review status: criteria provided, multiple submitters, no conflicts (2 of 4 stars). 6 submissions from 5 submitters: Uncertain significance (5). 1 of the submissions does not count toward it. Last evaluated 2024-07-08.

Conditions:
Retinal dystrophy. Also called: Inherited retinal dystrophy. Identifiers: Orphanet 71862, MedGen C0854723, MeSH D058499, MONDO:0019118, HP:0000556.
Usher syndrome type 2A. Also called: RETINAL DISEASE IN USHER SYNDROME TYPE IIA, MODIFIER OF; USHER SYNDROME, TYPE IIA. Identifiers: Orphanet 231178, Orphanet 886, MedGen C1848634, MONDO:0010169, OMIM 276901.
Retinitis pigmentosa 39 (RP39). Identifiers: Orphanet 791, MedGen C3151138, MONDO:0013436, OMIM 613809.

Allele frequency attached by ClinVar (database versions not stated): TOPMed 0.00001; ExAC 0.00002.
gnomAD v4.1: 6 of 1,613,556 alleles (0.00037%); highest among the groups gnomAD compares: South Asian, 0.0011%; no homozygotes.

Submissions (6):

Labcorp Genetics (formerly Invitae), Labcorp
Classification: Uncertain significance. Last evaluated: 2024-07-08. Review status: criteria provided, single submitter. Criteria: Invitae Variant Classification Sherloc (09022015). Collection method: clinical testing. Allele origin: germline.
Comment: This sequence change replaces proline, which is neutral and non-polar, with threonine, which is neutral and polar, at codon 236 of the USH2A protein (p.Pro236Thr). This variant is present in population databases (rs762558966, gnomAD 0.003%). This variant has not been reported in the literature in individuals affected with USH2A-related conditions. ClinVar contains an entry for this variant (Variation ID: 229626). Advanced modeling of protein sequence and biophysical properties (such as structural, functional, and spatial information, amino acid conservation, physicochemical variation, residue mobility, and thermodynamic stability) performed at Invitae indicates that this missense variant is not expected to disrupt USH2A protein function with a negative predictive value of 95%. In summary, the available evidence is currently insufficient to determine the role of this variant in disease. Therefore, it has been classified as a Variant of Uncertain Significance.

Genome-Nilou Lab
Classification: Uncertain significance for Retinitis pigmentosa 39. Last evaluated: 2023-11-04. Review status: criteria provided, single submitter. Criteria: ACMG Guidelines, 2015. Collection method: clinical testing. Allele origin: germline. Affected: no.

Genome-Nilou Lab
Classification: Uncertain significance for Usher syndrome type 2A. Last evaluated: 2023-11-04. Review status: criteria provided, single submitter. Criteria: ACMG Guidelines, 2015. Collection method: clinical testing. Allele origin: germline. Affected: no.

Dept Of Ophthalmology, Nagoya University
Classification: Uncertain significance for Retinal dystrophy. Last evaluated: 2023-10-01. Review status: criteria provided, single submitter. Criteria: Submitter's publication. Collection method: research. Allele origin: germline. Affected: yes.

Laboratory for Molecular Medicine, Mass General Brigham Personalized Medicine
Classification: Uncertain significance. Last evaluated: 2015-10-20. Review status: criteria provided, single submitter. Criteria: LMM Criteria. Collection method: clinical testing. Allele origin: germline. Observed: 1 variant allele.
Comment: Variant classified as Uncertain Significance - Favor Benign. The p.Pro236Thr var iant in USH2A has not been previously reported in individuals with hearing loss, but has been identified in 1/66638 European chromosomes by the Exome Aggregatio n Consortium (ExAC; dbSNP rs762558966). Although this variant has been seen in the general population, its frequency is not high enough to rule out a pathogenic role. The proline (Pro) at position 236 is not conserved in mammals or evolutionary distant species, raising the possibility th at a change at this position may be tolerated. Additional computational predicti on tools suggest that the p.Pro236Thr variant may not impact the protein, though this information is not predictive enough to rule out pathogenicity. In summary , while the clinical significance of the p.Pro236Thr variant is uncertain, the a vailable data suggest that it is more likely to be benign.

Natera, Inc.
Classification: Uncertain significance for Usher syndrome type 2A. Last evaluated: 2019-11-11. Review status: no assertion criteria provided. Collection method: clinical testing. Allele origin: germline. Not counted in ClinVar's aggregate classification.